The following is an entry in ClinVar:

NM_003590.5(CUL3):c.799G>C (p.Glu267Gln)

Gene: CUL3 (cullin 3; minus strand). Cytogenetic location: 2q36.2.
Variant type: single nucleotide variant.
Coding change: c.799G>C on transcript NM_003590.5 (MANE Select); coding-DNA position 799, G replaced by C.
Protein change: p.Glu267Gln; replaces glutamic acid 267 with glutamine.
Molecular consequence: missense variant.
Genome position (GRCh38, 1-based): chr2:224,511,438, C>G on the plus strand (G>C on the coding strand, the complement: CUL3 is on the minus strand). VCF-style: chr2-224511438-C-G. GRCh37 (hg19) VCF-style: chr2-225376155-C-G.
Other names: c.601G>C, p.Glu201Gln (NM_001257197.2); c.817G>C, p.Glu273Gln (NM_001257198.2); short protein forms E267Q, E201Q, E273Q.
Identifiers: ClinVar variation 2779846 (VCV002779846.3), dbSNP rs757584952, ClinGen allele CA2140116.

ClinVar aggregate classification (germline): Uncertain significance (1 of 4 stars; one submission).

Allele frequency attached by ClinVar (database versions not stated): ExAC 0.00001; gnomAD exomes below 0.00001; gnomAD 0.00001; TOPMed 0.00001.
gnomAD v4.1: 7 of 1,613,892 alleles (0.00043%); highest among the groups gnomAD compares: Non-Finnish European, 0.00059%; no homozygotes.

Submission:

Labcorp Genetics (formerly Invitae), Labcorp
Classification: Uncertain significance. Last evaluated: 2025-06-09. Review status: criteria provided, single submitter. Criteria: Invitae Variant Classification Sherloc (09022015). Collection method: clinical testing. Allele origin: germline.
Comment: This sequence change replaces glutamic acid, which is acidic and polar, with glutamine, which is neutral and polar, at codon 267 of the CUL3 protein (p.Glu267Gln). This variant is present in population databases (rs757584952, gnomAD 0.0009%). This variant has not been reported in the literature in individuals affected with CUL3-related conditions. ClinVar contains an entry for this variant (Variation ID: 2779846). Invitae Evidence Modeling of protein sequence and biophysical properties (such as structural, functional, and spatial information, amino acid conservation, physicochemical variation, residue mobility, and thermodynamic stability) indicates that this missense variant is not expected to disrupt CUL3 protein function with a negative predictive value of 95%. In summary, the available evidence is currently insufficient to determine the role of this variant in disease. Therefore, it has been classified as a Variant of Uncertain Significance.